The following is an entry in ClinVar:

ClinVar aggregate classification (germline): Pathogenic/Likely pathogenic. Review status: criteria provided, multiple submitters, no conflicts (2 of 4 stars). 2 submissions from 2 submitters: Pathogenic (1); Likely pathogenic (1). Last evaluated 2026-07-06.

Conditions:
Epilepsy. Also called: Seizure disorder. Identifiers: MedGen C0014544, MeSH D004827, MONDO:0005027.
Early-infantile DEE. Also called: Early infantile epileptic encephalopathy; Ohtahara syndrome; Early infantile epileptic encephalopathy with suppression bursts. Identifiers: Orphanet 1934, MedGen C0393706, MONDO:0800491.

Allele frequency attached by ClinVar (database versions not stated): gnomAD exomes below 0.00001.

Submissions (2):

Cytogénomique, Hospices Civils de Lyon
Classification: Likely pathogenic for Epilepsy. Last evaluated: 2026-07-06. Review status: criteria provided, single submitter. Criteria: ACMG Guidelines, 2015. Collection method: clinical testing. Allele origin: germline. Affected: yes.

Labcorp Genetics (formerly Invitae), Labcorp
Classification: Pathogenic for Early-infantile DEE. Last evaluated: 2023-10-30. Review status: criteria provided, single submitter. Criteria: Invitae Variant Classification Sherloc (09022015). Collection method: clinical testing. Allele origin: germline.
Comment: This sequence change replaces proline, which is neutral and non-polar, with serine, which is neutral and polar, at codon 113 of the SCN1A protein (p.Pro113Ser). This variant is not present in population databases (gnomAD no frequency). This missense change has been observed in individual(s) with clinical features of SCN1A-related conditions (Invitae). In at least one individual the variant was observed to be de novo. ClinVar contains an entry for this variant (Variation ID: 1488821). Advanced modeling of protein sequence and biophysical properties (such as structural, functional, and spatial information, amino acid conservation, physicochemical variation, residue mobility, and thermodynamic stability) performed at Invitae indicates that this missense variant is expected to disrupt SCN1A protein function with a positive predictive value of 95%. This variant disrupts the p.Pro113 amino acid residue in SCN1A. Other variant(s) that disrupt this residue have been determined to be pathogenic (PMID: 25818041, 26096185; Invitae). This suggests that this residue is clinically significant, and that variants that disrupt this residue are likely to be disease-causing. For these reasons, this variant has been classified as Pathogenic.

Literature cited by the submitters: PubMed 25818041 (cited by Labcorp Genetics (formerly Invitae), Labcorp); PubMed 26096185 (cited by Labcorp Genetics (formerly Invitae), Labcorp).

NM_001165963.4(SCN1A):c.337C>T (p.Pro113Ser)

Gene: SCN1A (sodium voltage-gated channel alpha subunit 1; minus strand). Cytogenetic location: 2q24.3.
Variant type: single nucleotide variant.
Coding change: c.337C>T on transcript NM_001165963.4 (MANE Select); coding-DNA position 337, C replaced by T.
Protein change: p.Pro113Ser; replaces proline 113 with serine.
Molecular consequence: missense variant. On other transcripts: 5 prime UTR variant (1), non-coding transcript variant (1).
Genome position (GRCh38, 1-based): chr2:166,058,616, G>A on the plus strand (C>T on the coding strand, the complement: SCN1A is on the minus strand). VCF-style: chr2-166058616-G-A. GRCh37 (hg19) VCF-style: chr2-166915126-G-A.
Other names: c.337C>T, p.Pro113Ser (NM_001165964.3, NM_001202435.3, NM_001353948.2 and 10 more transcripts); c.-2089C>T (NM_001353961.2); short protein forms P113S.
Identifiers: ClinVar variation 1488821 (VCV001488821.10), dbSNP rs794726711, ClinGen allele CA349076990.